The following is an entry in ClinVar:

NM_004826.4(ECEL1):c.2196G>A (p.Val732=)

Gene: ECEL1 (endothelin converting enzyme like 1; minus strand). Cytogenetic location: 2q37.1.
Variant type: single nucleotide variant.
Coding change: c.2196G>A on transcript NM_004826.4 (MANE Select); coding-DNA position 2196, G replaced by A.
Protein change: p.Val732=; no amino-acid change (valine 732 retained).
Molecular consequence: synonymous variant.
Genome position (GRCh38, 1-based): chr2:232,480,431, C>T on the plus strand (G>A on the coding strand, the complement: ECEL1 is on the minus strand). VCF-style: chr2-232480431-C-T. GRCh37 (hg19) VCF-style: chr2-233345141-C-T.
Other names: c.2190G>A, p.Val730= (NM_001290787.2).
Identifiers: ClinVar variation 4075529 (VCV004075529.1).
Genomic context (GRCh38, chr2:232,480,431, plus strand): 5'-ACAAGGCCAGGCGGGCAGGTGGGCATACCTGTAGTGCTCAGGGGCATGCTTGTCAGTCAG[C>T]ACCTGCAGGTAGATGGACTGCGACCGCCGCTTGATGCACCAGTTCTGGGTCCAGGAGCGG-3'
Protein context (NP_004817.2, residues 722-742): KRRSQSIYLQ[Val732=]LTDKHAPEHY

ClinVar aggregate classification (germline): Uncertain significance (1 of 4 stars; one submission).

gnomAD v4.1: 45 of 1,613,978 alleles (0.0028%); highest among the groups gnomAD compares: African/African-American, 0.055%; no homozygotes.

Submission:

GeneDx
Classification: Uncertain significance. Last evaluated: 2025-02-12. Review status: criteria provided, single submitter. Criteria: GeneDx Variant Classification Process June 2021. Collection method: clinical testing. Allele origin: germline. Affected: yes.
Comment: In silico analysis supports a deleterious effect on splicing; Has not been previously published as pathogenic or benign to our knowledge